The following is an entry in ClinVar:

ClinVar aggregate classification (germline): Likely benign (1 of 4 stars; one submission).

Allele frequency attached by ClinVar (database versions not stated): gnomAD 0.00002; TOPMed 0.00006.
gnomAD v4.1: 8 of 1,521,648 alleles (0.00053%); highest among the groups gnomAD compares: Middle Eastern, 0.017%; no homozygotes.

Submission:

CeGaT Center for Human Genetics Tuebingen
Classification: Likely benign. Last evaluated: 2024-03-01. Review status: criteria provided, single submitter. Criteria: CeGaT Center For Human Genetics Tuebingen Variant Classification Criteria Version 2. Collection method: clinical testing. Allele origin: germline. Affected: yes. Observed: 1 variant allele.
Comment: MICOS13: BP4

NM_205767.3(MICOS13):c.262A>G (p.Ile88Val)

Gene: MICOS13 (mitochondrial contact site and cristae organizing system subunit 13; minus strand). Cytogenetic location: 19p13.3.
Variant type: single nucleotide variant.
Coding change: c.262A>G on transcript NM_205767.3 (MANE Select); coding-DNA position 262, A replaced by G.
Protein change: p.Ile88Val; replaces isoleucine 88 with valine.
Molecular consequence: missense variant.
Genome position (GRCh38, 1-based): chr19:5,678,646, T>C on the plus strand (A>G on the coding strand, the complement: MICOS13 is on the minus strand). VCF-style: chr19-5678646-T-C. GRCh37 (hg19) VCF-style: chr19-5678657-T-C.
Other names: c.328A>G, p.Ile110Val (NM_001308240.2, NM_001365761.2); short protein forms I110V, I88V.
Identifiers: ClinVar variation 3067289 (VCV003067289.21), dbSNP rs765823999, ClinGen allele CA9113214.